The following is an entry in ClinVar:

ClinVar aggregate classification (germline): Uncertain significance (1 of 4 stars; one submission).

Submission:

Labcorp Genetics (formerly Invitae), Labcorp
Classification: Uncertain significance. Last evaluated: 2022-12-29. Review status: criteria provided, single submitter. Criteria: Invitae Variant Classification Sherloc (09022015). Collection method: clinical testing. Allele origin: germline.
Comment: This variant is not present in population databases (gnomAD no frequency). In summary, the available evidence is currently insufficient to determine the role of this variant in disease. Therefore, it has been classified as a Variant of Uncertain Significance. Algorithms developed to predict the effect of missense changes on protein structure and function (SIFT, PolyPhen-2, Align-GVGD) all suggest that this variant is likely to be tolerated. This variant has not been reported in the literature in individuals affected with DDX58-related conditions. This sequence change replaces proline, which is neutral and non-polar, with threonine, which is neutral and polar, at codon 31 of the DDX58 protein (p.Pro31Thr).

NM_014314.4(RIGI):c.91C>A (p.Pro31Thr)

Gene: RIGI (RNA sensor RIG-I; minus strand). Cytogenetic location: 9p21.1.
Variant type: single nucleotide variant.
Coding change: c.91C>A on transcript NM_014314.4 (MANE Select); coding-DNA position 91, C replaced by A.
Protein change: p.Pro31Thr; replaces proline 31 with threonine.
Molecular consequence: missense variant. On other transcripts: 5 prime UTR variant (3).
Genome position (GRCh38, 1-based): chr9:32,526,076, G>T on the plus strand (C>A on the coding strand, the complement: RIGI is on the minus strand). VCF-style: chr9-32526076-G-T. GRCh37 (hg19) VCF-style: chr9-32526074-G-T.
Other names: c.91C>A, p.Pro31Thr (NM_001385907.1, NM_001385909.1, NM_001385913.1); c.-364C>A (NM_001385910.1, NM_001385914.1); c.-371C>A (NM_001385912.1); short protein forms P31T.
Identifiers: ClinVar variation 2824818 (VCV002824818.3), dbSNP rs1220356112, ClinGen allele CA373150753.